The following is an entry in ClinVar:

ClinVar aggregate classification (germline): Uncertain significance (1 of 4 stars; one submission).

Conditions:
Hereditary spastic paraplegia 11. Also called: Nakamura Osame syndrome; Autosomal recessive hereditary spastic paraplegia, mental impairment, and thin corpus callosum; Spastic Paraplegia 11; Spastic paraplegia, mental retardation and thin corpus callosum; SPASTIC PARAPLEGIA, AUTOSOMAL RECESSIVE, COMPLICATED, WITH THIN CORPUS CALLOSUM; SPASTIC PARAPLEGIA, AUTOSOMAL RECESSIVE, WITH MENTAL IMPAIRMENT AND THIN CORPUS CALLOSUM. Identifiers: Orphanet 2822, MedGen C1858479, MONDO:0011445, OMIM 604360.

gnomAD v4.1: 2 of 1,614,062 alleles (0.00012%); highest among the groups gnomAD compares: Non-Finnish European, 0.000085%; no homozygotes.

Submission:

Labcorp Genetics (formerly Invitae), Labcorp
Classification: Uncertain significance for Hereditary spastic paraplegia 11. Last evaluated: 2021-08-27. Review status: criteria provided, single submitter. Criteria: Invitae Variant Classification Sherloc (09022015). Collection method: clinical testing. Allele origin: germline.
Comment: This sequence change replaces glutamine with arginine at codon 716 of the SPG11 protein (p.Gln716Arg). The glutamine residue is moderately conserved and there is a small physicochemical difference between glutamine and arginine. This variant is not present in population databases (ExAC no frequency). This variant has not been reported in the literature in individuals affected with SPG11-related conditions. Algorithms developed to predict the effect of missense changes on protein structure and function are either unavailable or do not agree on the potential impact of this missense change (SIFT: "Deleterious"; PolyPhen-2: "Benign"; Align-GVGD: "Class C0"). In summary, the available evidence is currently insufficient to determine the role of this variant in disease. Therefore, it has been classified as a Variant of Uncertain Significance.

NM_025137.4(SPG11):c.2147A>G (p.Gln716Arg)

Gene: SPG11 (SPG11 vesicle trafficking associated, spatacsin; minus strand). Cytogenetic location: 15q21.1.
Variant type: single nucleotide variant.
Coding change: c.2147A>G on transcript NM_025137.4 (MANE Select); coding-DNA position 2147, A replaced by G.
Protein change: p.Gln716Arg; replaces glutamine 716 with arginine.
Molecular consequence: missense variant.
Genome position (GRCh38, 1-based): chr15:44,626,428, T>C on the plus strand (A>G on the coding strand, the complement: SPG11 is on the minus strand). VCF-style: chr15-44626428-T-C. GRCh37 (hg19) VCF-style: chr15-44918626-T-C.
Other names: c.2147A>G, p.Gln716Arg (NM_001160227.2); short protein forms Q716R.
Identifiers: ClinVar variation 1423673 (VCV001423673.5), dbSNP rs2141037997, ClinGen allele CA392233698.